The following is an entry in ClinVar:

NM_000051.4(ATM):c.3189A>G (p.Val1063=)

Gene: ATM (ATM serine/threonine kinase; plus strand). Cytogenetic location: 11q22.3.
Variant type: single nucleotide variant.
Coding change: c.3189A>G on transcript NM_000051.4 (MANE Select); coding-DNA position 3189, A replaced by G.
Protein change: p.Val1063=; no amino-acid change (valine 1063 retained).
Molecular consequence: synonymous variant.
Genome position (GRCh38, 1-based): chr11:108,272,757, A>G. VCF-style: chr11-108272757-A-G. GRCh37 (hg19) VCF-style: chr11-108143484-A-G.
Other names: c.3189A>G (NM_000051.3); c.3189A>G, p.Val1063= (NM_001351834.2).
Identifiers: ClinVar variation 1143698 (VCV001143698.11), dbSNP rs76122065, ClinGen allele CA476745087.

ClinVar aggregate classification (germline): Benign/Likely benign. Review status: criteria provided, multiple submitters, no conflicts (2 of 4 stars). 3 submissions from 3 submitters: Benign (1); Likely benign (2). Last evaluated 2024-12-22.

Conditions:
Ataxia-telangiectasia syndrome (AT). Also called: LOUIS-BAR SYNDROME; Ataxia telangiectasia (A-T); Cerebello-oculocutaneous telangiectasia; Immunodeficiency with ataxia telangiectasia; Ataxia-telangiectasia; Ataxia-telangiectasia, complementation group D. Identifiers: Orphanet 100, MedGen C0004135, MONDO:0008840, OMIM 208900.
Familial cancer of breast. Also called: Hereditary breast cancer; BREAST CANCER, FAMILIAL; hereditary breast carcinoma. Identifiers: Orphanet 227535, MedGen C0346153, MONDO:0016419, OMIM 114480. Disease mechanism: loss of function.
Hereditary cancer-predisposing syndrome. Also called: Hereditary neoplastic syndrome; Tumor predisposition; Neoplastic Syndromes, Hereditary; Hereditary Cancer Syndrome. Identifiers: Orphanet 140162, MedGen C0027672, MeSH D009386, MONDO:0015356.

Allele frequency attached by ClinVar (database versions not stated): gnomAD exomes 0.00001.
gnomAD v4.1: 3 of 1,614,054 alleles (0.00019%); highest among the groups gnomAD compares: Admixed American, 0.0033%; no homozygotes.

Submissions (3):

Ambry Genetics
Classification: Likely benign for Hereditary cancer-predisposing syndrome. Last evaluated: 2024-12-22. Review status: criteria provided, single submitter. Criteria: Ambry Variant Classification Scheme 2023. Collection method: clinical testing. Allele origin: germline.

Myriad Genetics, Inc.
Classification: Benign for Familial cancer of breast. Last evaluated: 2024-05-13. Review status: criteria provided, single submitter. Criteria: Myriad Autosomal Dominant, Autosomal Recessive and X-Linked Classification Criteria (2023). Collection method: clinical testing. Allele origin: unknown.
Comment: This variant is considered benign. This variant is a silent/synonymous amino acid change and it is not expected to impact splicing.

Labcorp Genetics (formerly Invitae), Labcorp
Classification: Likely benign for Ataxia-telangiectasia syndrome. Last evaluated: 2023-11-13. Review status: criteria provided, single submitter. Criteria: Invitae Variant Classification Sherloc (09022015). Collection method: clinical testing. Allele origin: germline.